The following is an entry in ClinVar:

NM_000240.4(MAOA):c.1052+4G>C

Gene: MAOA (monoamine oxidase A; plus strand). Cytogenetic location: Xp11.3.
Variant type: single nucleotide variant.
Coding change: c.1052+4G>C on transcript NM_000240.4 (MANE Select); 4 bases into the intron after coding-DNA position 1052, G replaced by C.
Molecular consequence: intron variant.
Genome position (GRCh38, 1-based): chrX:43,732,799, G>C. VCF-style: chrX-43732799-G-C. GRCh37 (hg19) VCF-style: chrX-43592046-G-C.
Other names: c.653+4G>C (NM_001270458.2).
Identifiers: ClinVar variation 2913554 (VCV002913554.3), dbSNP rs774461954, ClinGen allele CA10390874.

ClinVar aggregate classification (germline): Uncertain significance (1 of 4 stars; one submission).

Conditions:
Brunner syndrome (BRNRS). Identifiers: Orphanet 3057, MedGen C0796275, MONDO:0010379, OMIM 300615.

Allele frequency attached by ClinVar (database versions not stated): gnomAD 0.00002; gnomAD exomes below 0.00001; ExAC 0.00001.
gnomAD v4.1: 8 of 1,161,617 alleles (0.00069%); highest among the groups gnomAD compares: South Asian, 0.013%; no homozygotes.

Submission:

Labcorp Genetics (formerly Invitae), Labcorp
Classification: Uncertain significance for Brunner syndrome. Last evaluated: 2025-10-21. Review status: criteria provided, single submitter. Criteria: Invitae Variant Classification Sherloc (09022015). Collection method: clinical testing. Allele origin: germline.
Comment: This sequence change falls in intron 9 of the MAOA gene. It does not directly change the encoded amino acid sequence of the MAOA protein. It affects a nucleotide within the consensus splice site. This variant is present in population databases (rs774461954, gnomAD 0.01%). This variant has not been reported in the literature in individuals affected with MAOA-related conditions. ClinVar contains an entry for this variant (Variation ID: 2913554). Variants that disrupt the consensus splice site are a relatively common cause of aberrant splicing (PMID: 17576681, 9536098). Algorithms developed to predict the effect of sequence changes on RNA splicing suggest that this variant is not likely to affect RNA splicing. In summary, the available evidence is currently insufficient to determine the role of this variant in disease. Therefore, it has been classified as a Variant of Uncertain Significance.

Literature cited by the submitters: PubMed 17576681; PubMed 9536098.